The following is an entry in ClinVar:

ClinVar aggregate classification (germline): Likely benign. Review status: criteria provided, multiple submitters, no conflicts (2 of 4 stars). 4 submissions from 4 submitters: Likely benign (4). Last evaluated 2025-12-30.

Conditions:
Hereditary cancer-predisposing syndrome. Also called: Neoplastic Syndromes, Hereditary; Hereditary Cancer Syndrome; Tumor predisposition; Hereditary neoplastic syndrome. Identifiers: Orphanet 140162, MedGen C0027672, MeSH D009386, MONDO:0015356.
Cardiovascular phenotype. Identifiers: MedGen CN230736.

Allele frequency attached by ClinVar (database versions not stated): ExAC 0.00001; gnomAD 0.00001; TOPMed 0.00003; ESP Exome Variant Server 0.00008; 1000 Genomes Project 30x 0.00016; 1000 Genomes Project 0.00020.
gnomAD v4.1: 30 of 1,614,168 alleles (0.0019%); highest among the groups gnomAD compares: Non-Finnish European, 0.0025%; no homozygotes.

Submissions (4):

Labcorp Genetics (formerly Invitae), Labcorp
Classification: Likely benign. Last evaluated: 2025-12-30. Review status: criteria provided, single submitter. Criteria: Invitae Variant Classification Sherloc (09022015). Collection method: clinical testing. Allele origin: germline.

Ambry Genetics
Classification: Likely benign for Cardiovascular phenotype; Hereditary cancer-predisposing syndrome. Last evaluated: 2024-01-16. Review status: criteria provided, single submitter. Criteria: Ambry Variant Classification Scheme 2023. Collection method: clinical testing. Allele origin: germline.

CeGaT Center for Human Genetics Tuebingen
Classification: Likely benign. Last evaluated: 2023-08-01. Review status: criteria provided, single submitter. Criteria: CeGaT Center For Human Genetics Tuebingen Variant Classification Criteria Version 2. Collection method: clinical testing. Allele origin: germline. Affected: yes. Observed: 3 variant alleles.
Comment: LZTR1: BP4, BP7

GeneDx
Classification: Likely benign. Last evaluated: 2017-07-27. Review status: criteria provided, single submitter. Criteria: GeneDx Variant Classification (06012015). Collection method: clinical testing. Allele origin: germline. Affected: yes.
Comment: This variant is considered likely benign or benign based on one or more of the following criteria: it is a conservative change, it occurs at a poorly conserved position in the protein, it is predicted to be benign by multiple in silico algorithms, and/or has population frequency not consistent with disease.

NM_006767.4(LZTR1):c.375C>A (p.Val125=)

Gene: LZTR1 (leucine zipper like post translational regulator 1; plus strand). Cytogenetic location: 22q11.21.
Variant type: single nucleotide variant.
Coding change: c.375C>A on transcript NM_006767.4 (MANE Select); coding-DNA position 375, C replaced by A.
Protein change: p.Val125=; no amino-acid change (valine 125 retained).
Molecular consequence: synonymous variant.
Genome position (GRCh38, 1-based): chr22:20,987,558, C>A. VCF-style: chr22-20987558-C-A. GRCh37 (hg19) VCF-style: chr22-21341847-C-A.
Identifiers: ClinVar variation 511156 (VCV000511156.30), dbSNP rs201356174, ClinGen allele CA10118397.